The following is an entry in ClinVar:

ClinVar aggregate classification (germline): Pathogenic/Likely pathogenic. Review status: criteria provided, multiple submitters, no conflicts (2 of 4 stars). 4 submissions from 4 submitters: Pathogenic (2); Likely pathogenic (1). 1 of the submissions does not count toward it. Last evaluated 2024-02-26.

Conditions:
ABCA4-related disorder. Also called: ABCA4-related condition; ABCA4-related disorders. Identifiers: MedGen CN239167.
Cone-rod dystrophy 3 (CORD3). Identifiers: Orphanet 1872, MedGen C1858806, MONDO:0011395, OMIM 604116.
Age related macular degeneration 2. Also called: MACULAR DEGENERATION, SENILE; MACULOPATHY, AGE-RELATED, 2; MACULOPATHY, AGE-RELATED. Identifiers: MedGen C3495438, MONDO:0007932, OMIM 153800.
Retinitis pigmentosa 19 (RP19). Also called: ABCA4-Related Retinitis Pigmentosa. Identifiers: Orphanet 791, MedGen C1866422, MONDO:0011137, OMIM 601718.
Severe early-childhood-onset retinal dystrophy (STGD1). Also called: MACULAR DYSTROPHY WITH FLECKS, TYPE 1; STGD; Stargardt disease 1; Stargardt macular dystrophy; Juvenile onset macular degeneration. Identifiers: Orphanet 364055, Orphanet 827, MedGen C1855465, MeSH D000080362, MONDO:0009549, OMIM 248200.

Allele frequency attached by ClinVar (database versions not stated): gnomAD exomes below 0.00001; TOPMed 0.00002.
gnomAD v4.1: 2 of 1,614,138 alleles (0.00012%); highest among the groups gnomAD compares: East Asian, 0.0045%; no homozygotes.

Submissions (4):

Labcorp Genetics (formerly Invitae), Labcorp
Classification: Pathogenic. Last evaluated: 2024-02-26. Review status: criteria provided, single submitter. Criteria: Invitae Variant Classification Sherloc (09022015). Collection method: clinical testing. Allele origin: germline.
Comment: This sequence change replaces glutamic acid, which is acidic and polar, with valine, which is neutral and non-polar, at codon 328 of the ABCA4 protein (p.Glu328Val). This variant is present in population databases (rs61751419, gnomAD 0.006%). This missense change has been observed in individual(s) with Stargardt disease (PMID: 10958763, 26780318, 33301772). ClinVar contains an entry for this variant (Variation ID: 99518). Advanced modeling of protein sequence and biophysical properties (such as structural, functional, and spatial information, amino acid conservation, physicochemical variation, residue mobility, and thermodynamic stability) performed at Invitae indicates that this missense variant is expected to disrupt ABCA4 protein function with a positive predictive value of 95%. For these reasons, this variant has been classified as Pathogenic.

Blueprint Genetics
Classification: Pathogenic for ABCA4-related disorders. Last evaluated: 2023-05-24. Review status: criteria provided, single submitter. Criteria: ACMG Guidelines, 2015. Collection method: clinical testing. Allele origin: germline. Affected: yes. Observed: 5 variant alleles.

Juno Genomics, Hangzhou Juno Genomics, Inc
Classification: Likely pathogenic for Age related macular degeneration 2; Cone-rod dystrophy 3; Severe early-childhood-onset retinal dystrophy; Retinitis pigmentosa 19. Review status: criteria provided, single submitter. Criteria: ACMG Guidelines, 2015. Collection method: clinical testing. Allele origin: germline. Affected: yes.
Comment: Absent from controls (or at extremely low frequency if recessive) in Genome Aggregation Database, Exome Sequencing Project, 1000 Genomes Project, or Exome Aggregation Consortium.;Multiple lines of computational evidence support a deleterious effect on the gene or gene product (conservation, evolutionary, splicing impact, etc).;For recessive disorders, detected in trans with a pathogenic variant.;Patient's phenotype or family history is highly specific for a disease with a single genetic etiology.

Retina International
No classification provided. Review status: no classification provided. Collection method: not provided. Allele origin: not provided. Not counted in ClinVar's aggregate classification.

Literature cited by the submitters: PubMed 10958763 (cited by Labcorp Genetics (formerly Invitae), Labcorp); PubMed 26780318 (cited by Labcorp Genetics (formerly Invitae), Labcorp); PubMed 33301772 (cited by Labcorp Genetics (formerly Invitae), Labcorp).

NM_000350.3(ABCA4):c.983A>T (p.Glu328Val)

Gene: ABCA4 (ATP binding cassette subfamily A member 4; minus strand). Cytogenetic location: 1p22.1.
Variant type: single nucleotide variant.
Coding change: c.983A>T on transcript NM_000350.3 (MANE Select); coding-DNA position 983, A replaced by T.
Protein change: p.Glu328Val; replaces glutamic acid 328 with valine.
Molecular consequence: missense variant.
Genome position (GRCh38, 1-based): chr1:94,080,594, T>A on the plus strand (A>T on the coding strand, the complement: ABCA4 is on the minus strand). VCF-style: chr1-94080594-T-A. GRCh37 (hg19) VCF-style: chr1-94546150-T-A.
Other names: c.983A>T, p.Glu328Val (NM_001425324.1); short protein forms E328V.
Identifiers: ClinVar variation 99518 (VCV000099518.8), dbSNP rs61751419, ClinGen allele CA227477.